The following is an entry in ClinVar:

NM_006734.4(HIVEP2):c.1505C>G (p.Ser502Cys)

Gene: HIVEP2 (HIVEP zinc finger 2; minus strand). Cytogenetic location: 6q24.2.
Variant type: single nucleotide variant.
Coding change: c.1505C>G on transcript NM_006734.4 (MANE Select); coding-DNA position 1505, C replaced by G.
Protein change: p.Ser502Cys; replaces serine 502 with cysteine.
Molecular consequence: missense variant.
Genome position (GRCh38, 1-based): chr6:142,773,234, G>C on the plus strand (C>G on the coding strand, the complement: HIVEP2 is on the minus strand). VCF-style: chr6-142773234-G-C. GRCh37 (hg19) VCF-style: chr6-143094371-G-C.
Other names: short protein forms S502C.
Identifiers: ClinVar variation 930591 (VCV000930591.3), dbSNP rs1775601679, ClinGen allele CA365913547.

ClinVar aggregate classification (germline): Uncertain significance (1 of 4 stars; one submission).

Conditions:
Intellectual developmental disorder, autosomal dominant 43. Also called: Intellectual disability, autosomal dominant 43. Identifiers: MedGen C4707429, MONDO:0014858, OMIM 616977.

Submission:

Centre for Mendelian Genomics, University Medical Centre Ljubljana
Classification: Uncertain significance for Intellectual developmental disorder, autosomal dominant 43. Last evaluated: 2019-10-03. Review status: criteria provided, single submitter. Criteria: ACMG Guidelines, 2015. Collection method: clinical testing. Allele origin: unknown. Affected: yes.
Comment: This variant was classified as: Uncertain significance. The available evidence on this variant's pathogenicity is insufficient or conflicting. The following ACMG criteria were applied in classifying this variant: PM2,BP4.